The following is an entry in ClinVar:

ClinVar aggregate classification (germline): Uncertain significance. Review status: criteria provided, multiple submitters, no conflicts (2 of 4 stars). 5 submissions from 5 submitters: Uncertain significance (5). Last evaluated 2025-09-25.

Conditions:
Familial cancer of breast. Also called: BREAST CANCER, FAMILIAL; Hereditary breast cancer; hereditary breast carcinoma. Identifiers: Orphanet 227535, MedGen C0346153, MONDO:0016419, OMIM 114480. Disease mechanism: loss of function.
Hereditary cancer-predisposing syndrome. Also called: Neoplastic Syndromes, Hereditary; Tumor predisposition; Hereditary neoplastic syndrome; Hereditary Cancer Syndrome. Identifiers: Orphanet 140162, MedGen C0027672, MeSH D009386, MONDO:0015356.

Allele frequency attached by ClinVar (database versions not stated): gnomAD exomes below 0.00001.
gnomAD v4.1: 1 of 1,613,920 alleles (0.000062%); highest among the groups gnomAD compares: Non-Finnish European, 0.000085%; no homozygotes.

Submissions (5):

GeneDx
Classification: Uncertain significance. Last evaluated: 2025-09-25. Review status: criteria provided, single submitter. Criteria: GeneDx Variant Classification Process June 2021. Collection method: clinical testing. Allele origin: germline.
Comment: Not observed at significant frequency in large population cohorts (gnomAD); In silico analysis supports that this missense variant has a deleterious effect on protein structure/function; Published functional studies suggest a neutral effect: demonstrates auto-phosphorylation and kinase activity comparable to wild type (PMID: 37449874); This variant is associated with the following publications: (PMID: 30306255, 37449874, 19782031, 22419737)

Labcorp Genetics (formerly Invitae), Labcorp
Classification: Uncertain significance for Familial cancer of breast. Last evaluated: 2025-04-16. Review status: criteria provided, single submitter. Criteria: Invitae Variant Classification Sherloc (09022015). Collection method: clinical testing. Allele origin: germline.
Comment: This sequence change replaces cysteine, which is neutral and slightly polar, with glycine, which is neutral and non-polar, at codon 410 of the CHEK2 protein (p.Cys410Gly). This variant is not present in population databases (gnomAD no frequency). This variant has not been reported in the literature in individuals affected with CHEK2-related conditions. ClinVar contains an entry for this variant (Variation ID: 460793). An algorithm developed to predict the effect of missense changes on protein structure and function (PolyPhen-2) suggests that this variant is likely to be disruptive. In summary, the available evidence is currently insufficient to determine the role of this variant in disease. Therefore, it has been classified as a Variant of Uncertain Significance.

Ambry Genetics
Classification: Uncertain significance for Hereditary cancer-predisposing syndrome. Last evaluated: 2025-02-24. Review status: criteria provided, single submitter. Criteria: Ambry Variant Classification Scheme 2023. Collection method: clinical testing. Allele origin: germline.
Comment: The p.C410G variant (also known as c.1228T>G), located in coding exon 10 of the CHEK2 gene, results from a T to G substitution at nucleotide position 1228. The cysteine at codon 410 is replaced by glycine, an amino acid with highly dissimilar properties. This amino acid position is well conserved in available vertebrate species. In addition, the in silico prediction for this alteration is inconclusive. Since supporting evidence is limited at this time, the clinical significance of this alteration remains unclear.

Baylor Genetics
Classification: Uncertain significance for Familial cancer of breast. Last evaluated: 2023-12-24. Review status: criteria provided, single submitter. Criteria: ACMG Guidelines, 2015. Collection method: clinical testing. Allele origin: unknown.

Color Diagnostics, LLC DBA Color Health
Classification: Uncertain significance for Hereditary cancer-predisposing syndrome. Last evaluated: 2019-02-26. Review status: criteria provided, single submitter. Criteria: ACMG Guidelines, 2015. Collection method: clinical testing. Allele origin: germline.

NM_007194.4(CHEK2):c.1228T>G (p.Cys410Gly)

Gene: CHEK2 (checkpoint kinase 2; minus strand). Cytogenetic location: 22q12.1.
Variant type: single nucleotide variant.
Coding change: c.1228T>G on transcript NM_007194.4 (MANE Select); coding-DNA position 1228, T replaced by G.
Protein change: p.Cys410Gly; replaces cysteine 410 with glycine.
Molecular consequence: missense variant.
Genome position (GRCh38, 1-based): chr22:28,695,741, A>C on the plus strand (T>G on the coding strand, the complement: CHEK2 is on the minus strand). VCF-style: chr22-28695741-A-C. GRCh37 (hg19) VCF-style: chr22-29091729-A-C.
Other names: c.1357T>G, p.Cys453Gly (NM_001005735.3); c.565T>G, p.Cys189Gly (NM_001257387.3); c.1027T>G, p.Cys343Gly (NM_001349956.3); c.1141T>G, p.Cys381Gly (NM_145862.3); short protein forms C410G, C189G, C343G, C381G, C453G.
Identifiers: ClinVar variation 460793 (VCV000460793.22), dbSNP rs1555913689, ClinGen allele CA411096658.